The following is an entry in ClinVar:

NM_001370259.2(MEN1):c.990C>T (p.Arg330=)

Gene: MEN1 (menin 1; minus strand). Cytogenetic location: 11q13.1.
Variant type: single nucleotide variant.
Coding change: c.990C>T on transcript NM_001370259.2 (MANE Select); coding-DNA position 990, C replaced by T.
Protein change: p.Arg330=; no amino-acid change (arginine 330 retained).
Molecular consequence: synonymous variant.
Genome position (GRCh38, 1-based): chr11:64,806,291, G>A on the plus strand (C>T on the coding strand, the complement: MEN1 is on the minus strand). VCF-style: chr11-64806291-G-A. GRCh37 (hg19) VCF-style: chr11-64573763-G-A.
Other names: c.1005C>T, p.Arg335= (NM_000244.4, NM_130800.3, NM_130801.3 and 3 more transcripts); c.990C>T, p.Arg330= (NM_001370251.2, NM_001370260.2, NM_001370261.2 and 1 more transcripts); c.885C>T, p.Arg295= (NM_001370262.2, NM_001370263.2); c.1005C>T (NM_000244.3); c.990C>T (NM_130799.2).
Identifiers: ClinVar variation 1647886 (VCV001647886.10), dbSNP rs1359880787, ClinGen allele CA474983299.

ClinVar aggregate classification (germline): Likely benign. Review status: criteria provided, multiple submitters, no conflicts (2 of 4 stars). 3 submissions from 3 submitters: Likely benign (3). Last evaluated 2026-01-09.

Conditions:
Hereditary cancer-predisposing syndrome. Also called: Tumor predisposition; Hereditary Cancer Syndrome; Neoplastic Syndromes, Hereditary; Hereditary neoplastic syndrome. Identifiers: Orphanet 140162, MedGen C0027672, MeSH D009386, MONDO:0015356.
Multiple endocrine neoplasia, type 1 (MEN1). Also called: MEA I; MEN I; WERMER SYNDROME; Endocrine adenomatosis multiple; MEN 1. Identifiers: Orphanet 652, MedGen C0025267, MeSH D018761, MONDO:0007540, OMIM 131100.
MEN1-related disorder. Also called: MEN1-related condition.

Allele frequency attached by ClinVar (database versions not stated): gnomAD exomes below 0.00001.

Submissions (3):

PreventionGenetics, part of Exact Sciences
Classification: Likely benign for MEN1-related condition. Last evaluated: 2026-01-09. Review status: criteria provided, single submitter. Criteria: ACMG Guidelines, 2015. Collection method: clinical testing. Allele origin: germline.
Comment: This variant is classified as likely benign based on ACMG/AMP sequence variant interpretation guidelines (Richards et al. 2015 PMID: 25741868, with internal and published modifications).

Ambry Genetics
Classification: Likely benign for Hereditary cancer-predisposing syndrome. Last evaluated: 2025-05-29. Review status: criteria provided, single submitter. Criteria: Ambry Variant Classification Scheme 2023. Collection method: clinical testing. Allele origin: germline.

Labcorp Genetics (formerly Invitae), Labcorp
Classification: Likely benign for Multiple endocrine neoplasia, type 1. Last evaluated: 2021-01-11. Review status: criteria provided, single submitter. Criteria: Invitae Variant Classification Sherloc (09022015). Collection method: clinical testing. Allele origin: germline.